The following is an entry in ClinVar:

ClinVar aggregate classification (germline): Uncertain significance (1 of 4 stars; one submission).

gnomAD v4.1: 1 of 1,613,250 alleles (0.000062%); no homozygotes.

Submission:

Labcorp Genetics (formerly Invitae), Labcorp
Classification: Uncertain significance. Last evaluated: 2021-12-02. Review status: criteria provided, single submitter. Criteria: Invitae Variant Classification Sherloc (09022015). Collection method: clinical testing. Allele origin: germline.
Comment: In summary, the available evidence is currently insufficient to determine the role of this variant in disease. Therefore, it has been classified as a Variant of Uncertain Significance. Algorithms developed to predict the effect of missense changes on protein structure and function (SIFT, PolyPhen-2, Align-GVGD) all suggest that this variant is likely to be disruptive. This variant has not been reported in the literature in individuals affected with STAMBP-related conditions. This variant is not present in population databases (gnomAD no frequency). This sequence change replaces leucine, which is neutral and non-polar, with proline, which is neutral and non-polar, at codon 300 of the STAMBP protein (p.Leu300Pro).

NM_213622.4(STAMBP):c.899T>C (p.Leu300Pro)

Gene: STAMBP (STAM binding protein; plus strand). Cytogenetic location: 2p13.1.
Variant type: single nucleotide variant.
Coding change: c.899T>C on transcript NM_213622.4 (MANE Select); coding-DNA position 899, T replaced by C.
Protein change: p.Leu300Pro; replaces leucine 300 with proline.
Molecular consequence: missense variant. On other transcripts: non-coding transcript variant (4).
Genome position (GRCh38, 1-based): chr2:73,850,407, T>C. VCF-style: chr2-73850407-T-C. GRCh37 (hg19) VCF-style: chr2-74077534-T-C.
Other names: c.899T>C, p.Leu300Pro (NM_001353967.2, NM_001353968.2, NM_001353969.2 and 3 more transcripts); c.494T>C, p.Leu165Pro (NM_001353971.2, NM_001353972.2, NM_001353973.2 and 3 more transcripts); short protein forms L300P, L165P.
Identifiers: ClinVar variation 1390004 (VCV001390004.6), dbSNP rs2104543390, ClinGen allele CA347306576.